The following is an entry in ClinVar:

NM_012418.4(FSCN2):c.1106-60G>A

Gene: FSCN2 (fascin actin-bundling protein 2, retinal; plus strand). Cytogenetic location: 17q25.3.
Variant type: single nucleotide variant.
Coding change: c.1106-60G>A on transcript NM_012418.4 (MANE Select); 60 bases into the intron before coding-DNA position 1106, G replaced by A.
Molecular consequence: intron variant. On other transcripts: missense variant (1).
Genome position (GRCh38, 1-based): chr17:81,536,562, G>A. VCF-style: chr17-81536562-G-A. GRCh37 (hg19) VCF-style: chr17-79503588-G-A.
Other names: c.1118G>A, p.Arg373His (NM_001077182.3); short protein forms R373H.
Identifiers: ClinVar variation 1477475 (VCV001477475.6), dbSNP rs745789209, ClinGen allele CA8836987.

ClinVar aggregate classification (germline): Uncertain significance (1 of 4 stars; one submission).

Allele frequency attached by ClinVar (database versions not stated): TOPMed below 0.00001; gnomAD exomes 0.00001; ExAC 0.00002.
gnomAD v4.1: 10 of 1,593,940 alleles (0.00063%); highest among the groups gnomAD compares: South Asian, 0.0056%; no homozygotes.

Submission:

Labcorp Genetics (formerly Invitae), Labcorp
Classification: Uncertain significance. Last evaluated: 2021-10-31. Review status: criteria provided, single submitter. Criteria: Invitae Variant Classification Sherloc (09022015). Collection method: clinical testing. Allele origin: germline.
Comment: In summary, the available evidence is currently insufficient to determine the role of this variant in disease. Therefore, it has been classified as a Variant of Uncertain Significance. Algorithms developed to predict the effect of missense changes on protein structure and function are either unavailable or do not agree on the potential impact of this missense change (SIFT: "Deleterious"; PolyPhen-2: "Benign"; Align-GVGD: "Class C0"). This variant has not been reported in the literature in individuals affected with FSCN2-related conditions. The frequency data for this variant in the population databases is considered unreliable, as metrics indicate poor data quality at this position in the gnomAD database. This sequence change replaces arginine, which is basic and polar, with histidine, which is basic and polar, at codon 373 of the FSCN2 protein (p.Arg373His).